The following is an entry in ClinVar:

NM_000277.3(PAH):c.1161C>G (p.Tyr387Ter)

Gene: PAH (phenylalanine hydroxylase; minus strand). Cytogenetic location: 12q23.2.
Variant type: single nucleotide variant.
Coding change: c.1161C>G on transcript NM_000277.3 (MANE Select); coding-DNA position 1161, C replaced by G.
Protein change: p.Tyr387Ter; replaces tyrosine 387 with a stop codon.
Molecular consequence: nonsense.
Genome position (GRCh38, 1-based): chr12:102,843,684, G>C on the plus strand (C>G on the coding strand, the complement: PAH is on the minus strand). VCF-style: chr12-102843684-G-C. GRCh37 (hg19) VCF-style: chr12-103237462-G-C.
Other names: c.1161C>G, p.Tyr387Ter (NM_001354304.2); c.1161C>G (NM_000277.2); short protein forms Y387*.
Identifiers: ClinVar variation 944754 (VCV000944754.10), dbSNP rs149595475, ClinGen allele CA386493193.

ClinVar aggregate classification (germline): Pathogenic/Likely pathogenic. Review status: criteria provided, multiple submitters, no conflicts (2 of 4 stars). 2 submissions from 2 submitters: Pathogenic (1); Likely pathogenic (1). Last evaluated 2025-03-28.

Conditions:
Phenylketonuria (PKU). Also called: OLIGOPHRENIA PHENYLPYRUVICA; Phenylketonurias; Phenylketonuria (PKU); FOLLING DISEASE. Identifiers: Orphanet 716, MedGen C0031485, MONDO:0009861, OMIM 261600. Disease mechanism: loss of function.

Submissions (2):

Natera, Inc.
Classification: Likely pathogenic for Phenylketonuria. Last evaluated: 2025-03-28. Review status: criteria provided, single submitter. Criteria: Natera Variant Classification Schema (03/2026). Collection method: clinical testing. Allele origin: germline.
Comment: The c.1161C>G variant in PAH is a nonsense variant predicted to introduce a stop codon at amino acid 387. This variant is expected to result in nonsense mediated decay, truncation, or a dysfunctional protein product. This variant is rare in the general population with a frequency below the threshold expected for the associated phenotype(s). Given the available evidence, this variant is classified as Likely Pathogenic.

Labcorp Genetics (formerly Invitae), Labcorp
Classification: Pathogenic for Phenylketonuria. Last evaluated: 2023-11-24. Review status: criteria provided, single submitter. Criteria: Invitae Variant Classification Sherloc (09022015). Collection method: clinical testing. Allele origin: germline.
Comment: This sequence change creates a premature translational stop signal (p.Tyr387*) in the PAH gene. It is expected to result in an absent or disrupted protein product. Loss-of-function variants in PAH are known to be pathogenic (PMID: 1301187, 9634518). This variant is not present in population databases (gnomAD no frequency). This premature translational stop signal has been observed in individual(s) with PAH-related conditions (PMID: 16601866, 23357515, 23764561). ClinVar contains an entry for this variant (Variation ID: 944754). Algorithms developed to predict the effect of sequence changes on RNA splicing suggest that this variant may disrupt the consensus splice site. For these reasons, this variant has been classified as Pathogenic.

Literature cited by the submitters: PubMed 1301187 (cited by Labcorp Genetics (formerly Invitae), Labcorp); PubMed 9634518 (cited by Labcorp Genetics (formerly Invitae), Labcorp); PubMed 16601866 (cited by Labcorp Genetics (formerly Invitae), Labcorp); PubMed 23357515 (cited by Labcorp Genetics (formerly Invitae), Labcorp); PubMed 23764561 (cited by Labcorp Genetics (formerly Invitae), Labcorp).